The following is an entry in ClinVar:

NM_003742.4(ABCB11):c.1810-3C>G

Gene: ABCB11 (ATP binding cassette subfamily B member 11; minus strand). Cytogenetic location: 2q31.1.
Variant type: single nucleotide variant.
Coding change: c.1810-3C>G on transcript NM_003742.4 (MANE Select); 3 bases into the intron before coding-DNA position 1810, C replaced by G.
Molecular consequence: intron variant.
Genome position (GRCh38, 1-based): chr2:168,969,554, G>C on the plus strand (C>G on the coding strand, the complement: ABCB11 is on the minus strand). VCF-style: chr2-168969554-G-C. GRCh37 (hg19) VCF-style: chr2-169826064-G-C.
Identifiers: ClinVar variation 4846695 (VCV004846695.1).

ClinVar aggregate classification (germline): Uncertain significance (1 of 4 stars; one submission).

Conditions:
Familial intrahepatic cholestasis. Identifiers: Orphanet 284385, MedGen CN296401, MONDO:0017290.

Submission:

Genomenon, Inc
Classification: Uncertain significance for Familial intrahepatic cholestasis. Last evaluated: 2026-04-14. Review status: criteria provided, single submitter. Criteria: Genomenon Sequence Variant Interpretation Standards - Updated. Collection method: curation. Allele origin: germline. Affected: yes.
Comment: ABCB11 c.1810-3C>G is an intronic variant located in the acceptor splice region of intron 15. This variant has been observed in at least one proband with an ABCB11-related disorder (PMID:25847299). It is absent or not present at a significant frequency in gnomAD. In silico models predict that this variant is possibly or probably damaging. In conclusion, we classify ABCB11 c.1810-3C>G as a variant of uncertain significance.

Literature cited by the submitters: PubMed 25847299.